The following is an entry in ClinVar:

ClinVar aggregate classification (germline): Pathogenic (1 of 4 stars; one submission).

Conditions:
Specific granule deficiency. Identifiers: Orphanet 169142, MedGen C0398593, MONDO:0009506.

Submission:

Labcorp Genetics (formerly Invitae), Labcorp
Classification: Pathogenic for Specific granule deficiency. Last evaluated: 2022-02-10. Review status: criteria provided, single submitter. Criteria: Invitae Variant Classification Sherloc (09022015). Collection method: clinical testing. Allele origin: germline.
Comment: This sequence change creates a premature translational stop signal (p.Gly68Argfs*17) in the CEBPE gene. It is expected to result in an absent or disrupted protein product. Loss-of-function variants in CEBPE are known to be pathogenic (PMID: 11313242, 11435463). This variant is not present in population databases (gnomAD no frequency). This variant has not been reported in the literature in individuals affected with CEBPE-related conditions. For these reasons, this variant has been classified as Pathogenic.

Literature cited by the submitters: PubMed 11313242; PubMed 11435463.

NM_001805.4(CEBPE):c.201dup (p.Gly68fs)

Gene: CEBPE (CCAAT enhancer binding protein epsilon; minus strand). Cytogenetic location: 14q11.2.
Variant type: Duplication.
Coding change: c.201dup on transcript NM_001805.4 (MANE Select); coding-DNA position 201, one base duplicated (A; older notation c.201dupA).
Protein change: p.Gly68fs; shifts the reading frame from glycine 68.
Molecular consequence: frameshift variant.
Genome position (GRCh38, 1-based): chr14:23,118,891, T duplicated on the plus strand (A on the coding strand, the reverse complement: CEBPE is on the minus strand). VCF-style (leftmost placement, unchanged base first): chr14-23118890-C-CT. GRCh37 (hg19) VCF-style: chr14-23588099-C-CT.
Other names: short protein forms G68fs.
Identifiers: ClinVar variation 1453726 (VCV001453726.6), dbSNP rs2140292187, ClinGen allele CA2573149759.